The following is an entry in ClinVar:

NM_000065.5(C6):c.1793G>A (p.Gly598Glu)

Gene: C6 (complement C6; minus strand). Cytogenetic location: 5p13.1.
Variant type: single nucleotide variant.
Coding change: c.1793G>A on transcript NM_000065.5 (MANE Select); coding-DNA position 1793, G replaced by A.
Protein change: p.Gly598Glu; replaces glycine 598 with glutamic acid.
Molecular consequence: missense variant.
Genome position (GRCh38, 1-based): chr5:41,159,145, C>T on the plus strand (G>A on the coding strand, the complement: C6 is on the minus strand). VCF-style: chr5-41159145-C-T. GRCh37 (hg19) VCF-style: chr5-41159247-C-T.
Other names: c.1793G>A, p.Gly598Glu (NM_001115131.4); short protein forms G598E.
Identifiers: ClinVar variation 1403773 (VCV001403773.3), dbSNP rs758842975, ClinGen allele CA3252336.

ClinVar aggregate classification (germline): Uncertain significance (1 of 4 stars; one submission).

Allele frequency attached by ClinVar (database versions not stated): gnomAD 0.00003 and 0.00004; gnomAD exomes 0.00004; TOPMed 0.00005; ExAC 0.00006.
gnomAD v4.1: 66 of 1,613,572 alleles (0.0041%); highest among the groups gnomAD compares: Non-Finnish European, 0.0052%; no homozygotes.

Submission:

Labcorp Genetics (formerly Invitae), Labcorp
Classification: Uncertain significance. Last evaluated: 2022-07-30. Review status: criteria provided, single submitter. Criteria: Invitae Variant Classification Sherloc (09022015). Collection method: clinical testing. Allele origin: germline.
Comment: This sequence change replaces glycine, which is neutral and non-polar, with glutamic acid, which is acidic and polar, at codon 598 of the C6 protein (p.Gly598Glu). This variant is present in population databases (rs758842975, gnomAD 0.007%). This variant has not been reported in the literature in individuals affected with C6-related conditions. ClinVar contains an entry for this variant (Variation ID: 1403773). Algorithms developed to predict the effect of missense changes on protein structure and function are either unavailable or do not agree on the potential impact of this missense change (SIFT: "Deleterious"; PolyPhen-2: "Probably Damaging"; Align-GVGD: "Class C0"). In summary, the available evidence is currently insufficient to determine the role of this variant in disease. Therefore, it has been classified as a Variant of Uncertain Significance.